The following is an entry in ClinVar:

NM_001136191.3(KANK2):c.761A>G (p.Asp254Gly)

Gene: KANK2 (KN motif and ankyrin repeat domains 2; minus strand). Cytogenetic location: 19p13.2.
Variant type: single nucleotide variant.
Coding change: c.761A>G on transcript NM_001136191.3 (MANE Select); coding-DNA position 761, A replaced by G.
Protein change: p.Asp254Gly; replaces aspartic acid 254 with glycine.
Molecular consequence: missense variant.
Genome position (GRCh38, 1-based): chr19:11,193,319, T>C on the plus strand (A>G on the coding strand, the complement: KANK2 is on the minus strand). VCF-style: chr19-11193319-T-C. GRCh37 (hg19) VCF-style: chr19-11303995-T-C.
Other names: c.761A>G, p.Asp254Gly (NM_001379553.1, NM_001379554.1, NM_001379555.1 and 15 more transcripts); short protein forms D254G.
Identifiers: ClinVar variation 2706093 (VCV002706093.3), dbSNP rs762366120, ClinGen allele CA9205980.

ClinVar aggregate classification (germline): Uncertain significance (1 of 4 stars; one submission).

Allele frequency attached by ClinVar (database versions not stated): gnomAD exomes 0.00001; ExAC 0.00002.
gnomAD v4.1: 19 of 1,612,336 alleles (0.0012%); highest among the groups gnomAD compares: African/African-American, 0.025%; no homozygotes.

Submission:

Labcorp Genetics (formerly Invitae), Labcorp
Classification: Uncertain significance. Last evaluated: 2024-02-14. Review status: criteria provided, single submitter. Criteria: Invitae Variant Classification Sherloc (09022015). Collection method: clinical testing. Allele origin: germline.
Comment: This sequence change replaces aspartic acid, which is acidic and polar, with glycine, which is neutral and non-polar, at codon 254 of the KANK2 protein (p.Asp254Gly). This variant is present in population databases (rs762366120, gnomAD 0.02%). This variant has not been reported in the literature in individuals affected with KANK2-related conditions. An algorithm developed to predict the effect of missense changes on protein structure and function (PolyPhen-2) suggests that this variant is likely to be tolerated. In summary, the available evidence is currently insufficient to determine the role of this variant in disease. Therefore, it has been classified as a Variant of Uncertain Significance.